The following is an entry in ClinVar:

ClinVar aggregate classification (germline): Likely benign (1 of 4 stars; one submission).

Submission:

CeGaT Center for Human Genetics Tuebingen
Classification: Likely benign. Last evaluated: 2026-07-01. Review status: criteria provided, single submitter. Criteria: CeGaT Center For Human Genetics Tuebingen Variant Classification Criteria Version 2. Collection method: clinical testing. Allele origin: germline. Affected: yes. Observed: 1 variant allele.
Comment: MLLT3: BP4, BP7

NM_004529.4(MLLT3):c.498C>T (p.Ser166=)

Gene: MLLT3 (MLLT3 super elongation complex subunit; minus strand). Cytogenetic location: 9p21.3.
Variant type: single nucleotide variant.
Coding change: c.498C>T on transcript NM_004529.4 (MANE Select); coding-DNA position 498, C replaced by T.
Protein change: p.Ser166=; no amino-acid change (serine 166 retained).
Molecular consequence: synonymous variant.
Genome position (GRCh38, 1-based): chr9:20,414,348, G>A on the plus strand (C>T on the coding strand, the complement: MLLT3 is on the minus strand). VCF-style: chr9-20414348-G-A. GRCh37 (hg19) VCF-style: chr9-20414346-G-A.
Other names: c.489C>T, p.Ser163= (NM_001286691.2).
Identifiers: ClinVar variation 5038594 (VCV005038594.1).
Genomic context (GRCh38, chr9:20,414,348, plus strand): 5'-GCTGCTGCTGCTACTGCTGCTGCTACTGCTGCTGCTGCTGCTGCTGCTGCTGCTGCTACT[G>A]CTGCTGCTGCTGCTGCTGCTGCTGCTGCTACTGCTGCTGCTGCTGCTGCTGCTGGTATGA-3'
Protein context (NP_004520.2, residues 156-176): SSSSSSSSSS[Ser166=]SSSSSSSSSS